The following is an entry in ClinVar:

NM_001080449.3(DNA2):c.411G>C (p.Met137Ile)

Gene: DNA2 (DNA replication helicase/nuclease 2; minus strand). Cytogenetic location: 10q21.3.
Variant type: single nucleotide variant.
Coding change: c.411G>C on transcript NM_001080449.3 (MANE Select); coding-DNA position 411, G replaced by C.
Protein change: p.Met137Ile; replaces methionine 137 with isoleucine.
Molecular consequence: missense variant. On other transcripts: non-coding transcript variant (1).
Genome position (GRCh38, 1-based): chr10:68,468,153, C>G on the plus strand (G>C on the coding strand, the complement: DNA2 is on the minus strand). VCF-style: chr10-68468153-C-G. GRCh37 (hg19) VCF-style: chr10-70227910-C-G.
Other names: short protein forms M137I.
Identifiers: ClinVar variation 1333505 (VCV001333505.1), dbSNP rs760968251, ClinGen allele CA5525308.

ClinVar aggregate classification (germline): Uncertain significance (1 of 4 stars; one submission).

Conditions:
Mitochondrial DNA deletion syndrome with progressive myopathy. Also called: Progressive external ophthalmoplegia with mitochondrial DNA deletions, autosomal dominant 6; PROGRESSIVE EXTERNAL OPHTHALMOPLEGIA, AUTOSOMAL DOMINANT 6. Identifiers: Orphanet 352470, MedGen C3554599, MONDO:0014062, OMIM 615156.

Allele frequency attached by ClinVar (database versions not stated): gnomAD exomes below 0.00001; TOPMed below 0.00001; ExAC 0.00001; gnomAD 0.00001.

Submission:

3billion
Classification: Uncertain significance for Mitochondrial DNA deletion syndrome with progressive myopathy. Last evaluated: 2022-01-03. Review status: criteria provided, single submitter. Criteria: ACMG Guidelines, 2015. Collection method: clinical testing. Allele origin: germline. Affected: yes. Observed: 1 heterozygote.
Comment: The variant is observed at an extremely low frequency in the gnomAD v2.1.1 dataset (total allele frequency: 0.000004, PM2_M). A missense variant is a common mechanism associated with Progressive external ophthalmoplegia with mitochondrial DNA deletions (PP2_P). Therefore, this variant is classified as uncertain significance according to the recommendation of ACMG/AMP guideline.